The following is an entry in ClinVar:

NM_199420.4(POLQ):c.6299A>G (p.Glu2100Gly)

Gene: POLQ (DNA polymerase theta; minus strand). Cytogenetic location: 3q13.33.
Variant type: single nucleotide variant.
Coding change: c.6299A>G on transcript NM_199420.4 (MANE Select); coding-DNA position 6299, A replaced by G.
Protein change: p.Glu2100Gly; replaces glutamic acid 2100 with glycine.
Molecular consequence: missense variant.
Genome position (GRCh38, 1-based): chr3:121,476,646, T>C on the plus strand (A>G on the coding strand, the complement: POLQ is on the minus strand). VCF-style: chr3-121476646-T-C. GRCh37 (hg19) VCF-style: chr3-121195493-T-C.
Other names: short protein forms E2100G.
Identifiers: ClinVar variation 2563812 (VCV002563812.2), dbSNP rs2546777199, ClinGen allele CA354087005.

ClinVar aggregate classification (germline): Uncertain significance (1 of 4 stars; one submission).

Submission:

Ambry Genetics
Classification: Uncertain significance. Last evaluated: 2023-04-23. Review status: criteria provided, single submitter. Criteria: Ambry Variant Classification Scheme 2023. Collection method: clinical testing. Allele origin: germline.
Comment: The p.E2100G variant (also known as c.6299A>G), located in coding exon 20 of the POLQ gene, results from an A to G substitution at nucleotide position 6299. The glutamic acid at codon 2100 is replaced by glycine, an amino acid with similar properties. This amino acid position is conserved. In addition, the in silico prediction for this alteration is inconclusive. Since supporting evidence is limited at this time, the clinical significance of this alteration remains unclear.